The following is an entry in ClinVar:

ClinVar aggregate classification (germline): Uncertain significance (1 of 4 stars; one submission).

Conditions:
3-Methylglutaconic aciduria type 2 (BTHS). Also called: CARDIOSKELETAL MYOPATHY WITH NEUTROPENIA AND ABNORMAL MITOCHONDRIA; Barth syndrome. Identifiers: Orphanet 111, MedGen C0574083, MONDO:0010543, OMIM 302060.

Allele frequency attached by ClinVar (database versions not stated): gnomAD exomes below 0.00001.
gnomAD v4.1: 2 of 1,210,432 alleles (0.00017%); highest among the groups gnomAD compares: Non-Finnish European, 0.00022%; no homozygotes.

Submission:

Labcorp Genetics (formerly Invitae), Labcorp
Classification: Uncertain significance for 3-Methylglutaconic aciduria type 2. Last evaluated: 2024-02-16. Review status: criteria provided, single submitter. Criteria: Invitae Variant Classification Sherloc (09022015). Collection method: clinical testing. Allele origin: germline.
Comment: This sequence change replaces tyrosine, which is neutral and polar, with cysteine, which is neutral and slightly polar, at codon 38 of the TAZ protein (p.Tyr38Cys). This variant is not present in population databases (gnomAD no frequency). This variant has not been reported in the literature in individuals affected with TAZ-related conditions. ClinVar contains an entry for this variant (Variation ID: 1953002). Algorithms developed to predict the effect of missense changes on protein structure and function output the following: SIFT: "Not Available"; PolyPhen-2: "Benign"; Align-GVGD: "Not Available". The cysteine amino acid residue is found in multiple mammalian species, which suggests that this missense change does not adversely affect protein function. In summary, the available evidence is currently insufficient to determine the role of this variant in disease. Therefore, it has been classified as a Variant of Uncertain Significance.

NM_000116.5(TAFAZZIN):c.113A>G (p.Tyr38Cys)

Genes: DNASE1L1 (deoxyribonuclease 1 like 1; minus strand), TAFAZZIN (tafazzin, phospholipid-lysophospholipid transacylase; plus strand). Cytogenetic location: Xq28.
Variant type: single nucleotide variant.
Coding change: c.113A>G on transcript NM_000116.5 (MANE Select); coding-DNA position 113, A replaced by G.
Protein change: p.Tyr38Cys; replaces tyrosine 38 with cysteine.
Molecular consequence: missense variant. On other transcripts: non-coding transcript variant (1), 5 prime UTR variant (3).
Genome position (GRCh38, 1-based): chrX:154,412,089, A>G. VCF-style: chrX-154412089-A-G. GRCh37 (hg19) VCF-style: chrX-153640426-A-G.
Other names: c.113A>G, p.Tyr38Cys (NM_181311.4, NM_181312.4, NM_181313.4 and 1 more transcripts); c.-629T>C (NM_001009932.3); c.-371T>C (NM_001009933.3); c.-286T>C (NM_001009934.3); c.167A>G, p.Tyr56Cys (NM_001303465.2, NM_001410698.1, NM_001440856.1 and 1 more transcripts); short protein forms Y56C, Y38C.
Identifiers: ClinVar variation 1953002 (VCV001953002.5), dbSNP rs2522923530, ClinGen allele CA415179311.
Genomic context (GRCh38, chrX:154,412,089, plus strand): 5'-CCGCGGCCCCGACCTAGCGGGCGAGCCCGGAGCGCCTGACTTCTCCTTCCCCGCCAGAGT[A>G]CATGAACCACCTGACCGTGCACAACAGGGAGGTGCTGTACGAGCTCATCGAGAAGCGAGG-3'
Protein context (NP_000107.1, residues 28-48): VGTYSCFWTK[Tyr38Cys]MNHLTVHNRE